The following is an entry in ClinVar:

ClinVar aggregate classification (germline): Uncertain significance. Review status: criteria provided, multiple submitters, no conflicts (2 of 4 stars). 2 submissions from 2 submitters: Uncertain significance (2). Last evaluated 2025-12-12.

Conditions:
Gorlin syndrome. Also called: Basal cell nevus syndrome; Nevoid Basal Cell Carcinoma Syndrome. Identifiers: Orphanet 377, MedGen C0004779, MONDO:0007187.
Hereditary cancer-predisposing syndrome. Also called: Neoplastic Syndromes, Hereditary; Tumor predisposition; Hereditary neoplastic syndrome; Hereditary Cancer Syndrome. Identifiers: Orphanet 140162, MedGen C0027672, MeSH D009386, MONDO:0015356.

Submissions (2):

Ambry Genetics
Classification: Uncertain significance for Hereditary cancer-predisposing syndrome. Last evaluated: 2025-12-12. Review status: criteria provided, single submitter. Criteria: Ambry Variant Classification Scheme 2023. Collection method: clinical testing. Allele origin: germline.
Comment: The p.Y93H variant (also known as c.277T>C), located in coding exon 2 of the PTCH1 gene, results from a T to C substitution at nucleotide position 277. The tyrosine at codon 93 is replaced by histidine, an amino acid with similar properties. This amino acid position is well conserved in available vertebrate species. In addition, this alteration is predicted to be deleterious by in silico analysis. Based on the available evidence, the clinical significance of this variant remains unclear.

Labcorp Genetics (formerly Invitae), Labcorp
Classification: Uncertain significance for Gorlin syndrome. Last evaluated: 2022-01-23. Review status: criteria provided, single submitter. Criteria: Invitae Variant Classification Sherloc (09022015). Collection method: clinical testing. Allele origin: germline.
Comment: In summary, the available evidence is currently insufficient to determine the role of this variant in disease. Therefore, it has been classified as a Variant of Uncertain Significance. Advanced modeling of protein sequence and biophysical properties (such as structural, functional, and spatial information, amino acid conservation, physicochemical variation, residue mobility, and thermodynamic stability) performed at Invitae indicates that this missense variant is not expected to disrupt PTCH1 protein function. This variant has not been reported in the literature in individuals affected with PTCH1-related conditions. This variant is not present in population databases (gnomAD no frequency). This sequence change replaces tyrosine, which is neutral and polar, with histidine, which is basic and polar, at codon 93 of the PTCH1 protein (p.Tyr93His).

NM_000264.5(PTCH1):c.277T>C (p.Tyr93His)

Gene: PTCH1 (patched 1; minus strand). Cytogenetic location: 9q22.32.
Variant type: single nucleotide variant.
Coding change: c.277T>C on transcript NM_000264.5 (MANE Select); coding-DNA position 277, T replaced by C.
Protein change: p.Tyr93His; replaces tyrosine 93 with histidine.
Molecular consequence: missense variant. On other transcripts: 5 prime UTR variant (4), non-coding transcript variant (1).
Genome position (GRCh38, 1-based): chr9:95,506,524, A>G on the plus strand (T>C on the coding strand, the complement: PTCH1 is on the minus strand). VCF-style: chr9-95506524-A-G. GRCh37 (hg19) VCF-style: chr9-98268806-A-G.
Other names: c.79T>C, p.Tyr27His (NM_001083602.3, NM_001354919.2); c.274T>C, p.Tyr92His (NM_001083603.3); c.-177T>C (NM_001083604.3, NM_001083605.3, NM_001083606.3 and 1 more transcripts); c.277T>C, p.Tyr93His (NM_001354918.2); short protein forms Y27H, Y93H, Y92H.
Identifiers: ClinVar variation 1795916 (VCV001795916.8), dbSNP rs2118878975, ClinGen allele CA374120394.